The following is an entry in ClinVar:

ClinVar aggregate classification (germline): Benign. Review status: criteria provided, multiple submitters, no conflicts (2 of 4 stars). 3 submissions from 3 submitters: Benign (2). 1 of the submissions does not count toward it. Last evaluated 2019-12-31.

Conditions:
SRGAP3-related disorder. Also called: SRGAP3-related condition.

Allele frequency attached by ClinVar (database versions not stated): gnomAD exomes 0.00079 and 0.00214; ESP Exome Variant Server 0.00892; ExAC 0.00262; TOPMed 0.00925; 1000 Genomes Project 30x 0.01187; 1000 Genomes Project 0.01098.
gnomAD v4.1: 2,443 of 1,600,284 alleles (0.15%); highest among the groups gnomAD compares: African/African-American, 2.8%; 29 homozygotes.

Submissions (3):

Labcorp Genetics (formerly Invitae), Labcorp
Classification: Benign. Last evaluated: 2019-12-31. Review status: criteria provided, single submitter. Criteria: Invitae Variant Classification Sherloc (09022015). Collection method: clinical testing. Allele origin: germline.

Breakthrough Genomics
Classification: Benign. Review status: criteria provided, single submitter. Criteria: ACMG Guidelines, 2015. Collection method: not provided. Allele origin: germline. Inheritance: Unknown mechanism. Affected: yes.

PreventionGenetics, part of Exact Sciences
Classification: Benign for SRGAP3-related condition. Last evaluated: 2019-06-06. Review status: no assertion criteria provided. Collection method: clinical testing. Allele origin: germline. Not counted in ClinVar's aggregate classification.
Comment: This variant is classified as benign based on ACMG/AMP sequence variant interpretation guidelines (Richards et al. 2015 PMID: 25741868, with internal and published modifications).

NM_014850.4(SRGAP3):c.3036C>T (p.Pro1012=)

Gene: SRGAP3 (SLIT-ROBO Rho GTPase activating protein 3; minus strand). Cytogenetic location: 3p25.3.
Variant type: single nucleotide variant.
Coding change: c.3036C>T on transcript NM_014850.4 (MANE Select); coding-DNA position 3036, C replaced by T.
Protein change: p.Pro1012=; no amino-acid change (proline 1012 retained).
Molecular consequence: synonymous variant.
Genome position (GRCh38, 1-based): chr3:8,985,783, G>A on the plus strand (C>T on the coding strand, the complement: SRGAP3 is on the minus strand). VCF-style: chr3-8985783-G-A. GRCh37 (hg19) VCF-style: chr3-9027467-G-A.
Other names: c.2964C>T, p.Pro988= (NM_001033117.3).
Identifiers: ClinVar variation 782421 (VCV000782421.7), dbSNP rs61747989, ClinGen allele CA2237295.
Genomic context (GRCh38, chr3:8,985,783, plus strand): 5'-GGAGGAGCTGCTGCTGCGGCGCATGGCGGCATCGGGGTCGCGGATGACGATGGTGTGAAG[G>A]GGACTGGCGGGCTCCGAGCTGACGGGGCCTGGCGGGTTCTTCAGGGGCTCCAGGGTGTCC-3'
Protein context (NP_055665.1, residues 1002-1022): PGPVSSEPAS[Pro1012=]LHTIVIRDPD